The following is an entry in ClinVar:

NM_001031679.3(MSRB3):c.264-1G>A

Gene: MSRB3 (methionine sulfoxide reductase B3; plus strand). Cytogenetic location: 12q14.3.
Variant type: single nucleotide variant.
Coding change: c.264-1G>A on transcript NM_001031679.3 (MANE Select); the canonical splice acceptor site of the intron before coding-DNA position 264, G replaced by A.
Molecular consequence: splice acceptor variant.
Genome position (GRCh38, 1-based): chr12:65,368,997, G>A. VCF-style: chr12-65368997-G-A. GRCh37 (hg19) VCF-style: chr12-65762777-G-A.
Other names: c.264-1G>A (NM_001193460.2, NM_001193461.2); c.285-1G>A (NM_198080.4).
Identifiers: ClinVar variation 228274 (VCV000228274.5), dbSNP rs201306709, ClinGen allele CA6671451.

ClinVar aggregate classification (germline): Likely pathogenic (1 of 4 stars; one submission).

Conditions:
Hearing loss. Identifiers: MedGen C3887873.
Rare genetic deafness. Identifiers: Orphanet 96210, MedGen C5680250.

Allele frequency attached by ClinVar (database versions not stated): ExAC 0.00001; 1000 Genomes Project 0.00020.

Submission:

Laboratory for Molecular Medicine, Mass General Brigham Personalized Medicine
Classification: Likely pathogenic for Rare genetic deafness. Last evaluated: 2015-09-18. Review status: criteria provided, single submitter. Criteria: LMM Criteria. Collection method: clinical testing. Allele origin: germline. Observed: 1 variant allele.
Comment: The c.264-1G>A variant in MSRB3 has not been previously reported in individuals with hearing loss, but has been identified in 1/8604 of East Asian chromosomes b y the Exome Aggregation Consortium (ExAC; dbSNP rs201306709). Although this variant has been seen in the general population, it s frequency is low enough to be consistent with a recessive carrier frequency. T his variant occurs in the invariant region (+/- 1,2) of the splice consensus seq uence and is predicted to cause altered splicing leading to an abnormal or absen t protein. Two variants resulting in loss of function of the MSRB3 protein have been previously reported in individuals with hearing loss (Ahmed 2011), and a mo use model supports that loss of function of the MSRB3 protein is causative for p rofound hearing loss (Kwon 2014). In summary, although additional studies are re quired to fully establish its clinical significance, this variant is likely path ogenic.